The following is an entry in ClinVar:

ClinVar aggregate classification (germline): Uncertain significance (1 of 4 stars; one submission).

Conditions:
Epidermolysis bullosa simplex with nail dystrophy (EBS5D). Identifiers: MedGen C4225309, MONDO:0014661, OMIM 616487.
Epidermolysis bullosa simplex 5B, with muscular dystrophy (EBS5B). Also called: EPIDERMOLYSIS BULLOSA SIMPLEX AND LIMB-GIRDLE MUSCULAR DYSTROPHY; Epidermolysis bullosa simplex with muscular dystrophy. Identifiers: Orphanet 257, MedGen C2931072, MONDO:0009181, OMIM 226670.
Epidermolysis bullosa simplex, Ogna type (EBS5A). Also called: Pidermolysis bullosa simplex 5A, Ogna type; EPIDERMOLYSIS BULLOSA SIMPLEX 5A, OGNA TYPE. Identifiers: Orphanet 79401, MedGen C0432317, MONDO:0007555, OMIM 131950.
Epidermolysis bullosa simplex 5C, with pyloric atresia (EBS5C). Also called: Epidermolysis bullosa simplex with pyloric atresia; PLEC-Related Epidermolysis Bullosa with Pyloric Atresia; PLEC1-Related Epidermolysis Bullosa with Pyloric Atresia. Identifiers: Orphanet 158684, MedGen C2677349, MONDO:0012807, OMIM 612138.
Autosomal recessive limb-girdle muscular dystrophy type 2Q (LGMDR17). Also called: MUSCULAR DYSTROPHY, LIMB-GIRDLE, AUTOSOMAL RECESSIVE 17. Identifiers: Orphanet 254361, MedGen C3150989, MONDO:0013390, OMIM 613723.

gnomAD v4.1: 3 of 1,610,078 alleles (0.00019%); highest among the groups gnomAD compares: Non-Finnish European, 0.00025%; no homozygotes.

Submission:

Labcorp Genetics (formerly Invitae), Labcorp
Classification: Uncertain significance for Autosomal recessive limb-girdle muscular dystrophy type 2Q; Epidermolysis bullosa simplex, Ogna type; Epidermolysis bullosa simplex with nail dystrophy; Epidermolysis bullosa simplex 5C, with pyloric atresia; Epidermolysis bullosa simplex 5B, with muscular dystrophy. Last evaluated: 2024-02-24. Review status: criteria provided, single submitter. Criteria: Invitae Variant Classification Sherloc (09022015). Collection method: clinical testing. Allele origin: germline.
Comment: This sequence change replaces proline, which is neutral and non-polar, with serine, which is neutral and polar, at codon 4434 of the PLEC protein (p.Pro4434Ser). This variant is present in population databases (no rsID available, gnomAD 0.001%). This variant has not been reported in the literature in individuals affected with PLEC-related conditions. ClinVar contains an entry for this variant (Variation ID: 2191545). Advanced modeling of protein sequence and biophysical properties (such as structural, functional, and spatial information, amino acid conservation, physicochemical variation, residue mobility, and thermodynamic stability) performed at Invitae indicates that this missense variant is not expected to disrupt PLEC protein function with a negative predictive value of 80%. In summary, the available evidence is currently insufficient to determine the role of this variant in disease. Therefore, it has been classified as a Variant of Uncertain Significance.

NM_201384.3(PLEC):c.13219C>T (p.Pro4407Ser)

Gene: PLEC (plectin; minus strand). Cytogenetic location: 8q24.3.
Variant type: single nucleotide variant.
Coding change: c.13219C>T on transcript NM_201384.3 (MANE Select); coding-DNA position 13219, C replaced by T.
Protein change: p.Pro4407Ser; replaces proline 4407 with serine.
Molecular consequence: missense variant.
Genome position (GRCh38, 1-based): chr8:143,916,602, G>A on the plus strand (C>T on the coding strand, the complement: PLEC is on the minus strand). VCF-style: chr8-143916602-G-A. GRCh37 (hg19) VCF-style: chr8-144990770-G-A.
Other names: c.13300C>T, p.Pro4434Ser (NM_000445.5); c.9919C>T, p.Pro3307Ser (NM_001410941.1); c.13177C>T, p.Pro4393Ser (NM_201378.4); c.13153C>T, p.Pro4385Ser (NM_201379.3); c.13630C>T, p.Pro4544Ser (NM_201380.4); c.13123C>T, p.Pro4375Ser (NM_201381.3); c.13219C>T, p.Pro4407Ser (NM_201382.4); c.13231C>T, p.Pro4411Ser (NM_201383.3); short protein forms P4375S, P4385S, P4411S, P4393S, P3307S, P4407S, P4434S, P4544S.
Identifiers: ClinVar variation 2191545 (VCV002191545.4), dbSNP rs782818956, ClinGen allele CA372475940.